The following is an entry in ClinVar:

ClinVar aggregate classification (germline): Conflicting classifications of pathogenicity. Review status: criteria provided, conflicting classifications (1 of 4 stars). 3 submissions from 3 submitters: Likely pathogenic (2); Uncertain significance (1). Last evaluated 2026-07-15.

Conditions:
Deficiency of butyrylcholinesterase (BCHED). Also called: Butyrylcholinesterase deficiency; Deficiency of butyrylcholine esterase; BCHE, silent 1; Acholinesterasemia. Identifiers: Orphanet 132, MedGen C1283400, MONDO:0015270, OMIM 617936.
BCHE-related disorder. Also called: BCHE-related condition.

Allele frequency attached by ClinVar (database versions not stated): gnomAD 0.00008 and 0.00009; gnomAD exomes 0.00014 and 0.00004; ExAC 0.00004; TOPMed 0.00006; ESP Exome Variant Server 0.00008.
gnomAD v4.1: 219 of 1,613,896 alleles (0.014%); highest among the groups gnomAD compares: Non-Finnish European, 0.018%; no homozygotes.

Submissions (3):

PreventionGenetics, part of Exact Sciences
Classification: Likely pathogenic for BCHE-related condition. Last evaluated: 2026-07-15. Review status: criteria provided, single submitter. Criteria: ACMG Guidelines, 2015. Collection method: clinical testing. Allele origin: germline.
Comment: The BCHE c.676A>G variant is predicted to result in the amino acid substitution p.Ser226Gly. This variant, alternatively referred to as 529AGT>GGT (Ser198>Gly), S198G, and BCHE*198G allele, is located in the active site serine of the BCHE catalytic triad and is considered a silent phenotype variant resulting in drastically reduced or absent enzyme activity (Primo-Parmo et al. 1996. PubMed ID: 8554068). This variant has been reported in the heterozygous state in a father with reduced butyrylcholinesterase activity and in the compound heterozygous state in his child with absent butyrylcholinesterase activity (Primo-Parmo et al. 1996. PubMed ID: 8554068). This variant is reported in 0.0062% of alleles in individuals of European (non-Finnish) descent in gnomAD and has conflicting interpretations in ClinVar ranging from uncertain to likely pathogenic (Variation ID: 1301372). Functional studies of alternate missense at p.Ser198 were shown to nearly (cysteine substitution) or completely (threonine, glutamine, histidine, or aspartate substitutions) abolish catalytic activity of BCHE (Gnatt et al. 1994. PubMed ID: 8294937). This variant is interpreted as likely pathogenic.

Myriad Genetics, Inc.
Classification: Likely pathogenic for Deficiency of butyrylcholinesterase. Last evaluated: 2025-01-24. Review status: criteria provided, single submitter. Criteria: Myriad Autosomal Dominant, Autosomal Recessive and X-Linked Classification Criteria (2023). Collection method: clinical testing. Allele origin: unknown.
Comment: NM_000055.2(BCHE):c.676A>G(S226G) is a missense variant classified as likely pathogenic in the context of pseudocholinesterase deficiency. S226G has been observed in cases with relevant disease (PMID: 8554068). Relevant functional assessments of this variant are not available in the literature. Internal structural analysis of the variant is supportive of pathogenicity. S226G has been observed in referenced population frequency databases. In summary, NM_000055.2(BCHE):c.676A>G(S226G) is a missense variant that has internal structural support for pathogenicity and has been observed more frequently in cases with the relevant disease than in healthy populations. Please note: this variant was assessed in the context of healthy population screening.

Women's Health and Genetics/Laboratory Corporation of America, LabCorp
Classification: Uncertain significance. Last evaluated: 2021-09-08. Review status: criteria provided, single submitter. Criteria: LabCorp Variant Classification Summary - May 2015. Collection method: clinical testing. Allele origin: germline.
Comment: Variant summary: BCHE c.676A>G (p.Ser226Gly), also known as BCHE*198G (p.Ser198Gly), results in a non-conservative amino acid change in the encoded protein sequence. Five of five in-silico tools predict a damaging effect of the variant on protein function. The variant allele was found at a frequency of 3.6e-05 in 250776 control chromosomes. c.676A>G has been reported in the literature as an allele associated with a "silent phenotype" within a compound heterozygous genotype in at-least three individuals affected with Deficiency Of Butyrylcholine Esterase within a cohort of patients who were selected for increased sensitivity to the muscle relaxant succinylcholine (example, Primo-Parmo_1996). The "silent phenotype" is characterized by complete absence of BChE enzyme activity or by activity <10% of the average levels of the usual phenotype (Primo-Parmo_1996). It continues to be subsequently cited by others in the field (example, Panhuizen_2010 and Lockridge_2016). These data indicate that the variant may be associated with disease. To our knowledge, no experimental evidence demonstrating a variant specific impact on protein function has been reported. However, in a compound heterozygous state, normal amounts of immunoreactive protein and variable levels of enzyme activity ranging from 60% of controls to enzymatically inactive BChE protein was detected in the plasma (Primo-Parmo_1996). No clinical diagnostic laboratories have submitted clinical-significance assessments for this variant to ClinVar after 2014. Based on the evidence outlined above, the variant was classified as VUS-possibly pathogenic.

Literature cited by the submitters: PubMed 8554068 (cited by Myriad Genetics, Inc. and Women's Health and Genetics/Laboratory Corporation of America, LabCorp); PubMed 27551784 (cited by Women's Health and Genetics/Laboratory Corporation of America, LabCorp); PubMed 20589221 (cited by Women's Health and Genetics/Laboratory Corporation of America, LabCorp).

NM_000055.4(BCHE):c.676A>G (p.Ser226Gly)

Gene: BCHE (butyrylcholinesterase; minus strand). Cytogenetic location: 3q26.1.
Variant type: single nucleotide variant.
Coding change: c.676A>G on transcript NM_000055.4 (MANE Select); coding-DNA position 676, A replaced by G.
Protein change: p.Ser226Gly; replaces serine 226 with glycine.
Molecular consequence: missense variant. On other transcripts: non-coding transcript variant (1).
Genome position (GRCh38, 1-based): chr3:165,830,358, T>C on the plus strand (A>G on the coding strand, the complement: BCHE is on the minus strand). VCF-style: chr3-165830358-T-C. GRCh37 (hg19) VCF-style: chr3-165548146-T-C.
Other names: short protein forms S226G.
Identifiers: ClinVar variation 1301372 (VCV001301372.3), dbSNP rs370077923, ClinGen allele CA2692452.
Genomic context (GRCh38, chr3:165,830,358, plus strand): 5'-TGAACAATGAATGGCTTCCAGGAGAAAGCAAATGCAGGCTAACTGAAGCTGCTCCTGCAC[T>C]TTCTCCAAAGAGAGTTACACTTTTAGGATTTCCACCAAAGGCTGCTATATTTTTTTGAAC-3'
Protein context (NP_000046.1, residues 216-236): NPKSVTLFGE[Ser226Gly]AGAASVSLHL